The following is an entry in ClinVar:

NM_004260.4(RECQL4):c.3449G>A (p.Arg1150Lys)

Gene: RECQL4 (RecQ like helicase 4; minus strand). Cytogenetic location: 8q24.3.
Variant type: single nucleotide variant.
Coding change: c.3449G>A on transcript NM_004260.4 (MANE Select); coding-DNA position 3449, G replaced by A.
Protein change: p.Arg1150Lys; replaces arginine 1150 with lysine.
Molecular consequence: missense variant.
Genome position (GRCh38, 1-based): chr8:144,511,734, C>T on the plus strand (G>A on the coding strand, the complement: RECQL4 is on the minus strand). VCF-style: chr8-144511734-C-T. GRCh37 (hg19) VCF-style: chr8-145737117-C-T.
Other names: short protein forms R1150K.
Identifiers: ClinVar variation 1419093 (VCV001419093.6), dbSNP rs780676589, ClinGen allele CA372667096.

ClinVar aggregate classification (germline): Uncertain significance (1 of 4 stars; one submission).

Conditions:
Baller-Gerold syndrome (BGS). Also called: CRANIOSYNOSTOSIS WITH RADIAL DEFECTS. Identifiers: Orphanet 1225, MedGen C0265308, MONDO:0009039, OMIM 218600.

Allele frequency attached by ClinVar (database versions not stated): gnomAD exomes below 0.00001.

Submission:

Labcorp Genetics (formerly Invitae), Labcorp
Classification: Uncertain significance for Baller-Gerold syndrome. Last evaluated: 2021-11-05. Review status: criteria provided, single submitter. Criteria: Invitae Variant Classification Sherloc (09022015). Collection method: clinical testing. Allele origin: germline.
Comment: This sequence change replaces arginine, which is basic and polar, with lysine, which is basic and polar, at codon 1150 of the RECQL4 protein (p.Arg1150Lys). This variant is not present in population databases (gnomAD no frequency). This variant has not been reported in the literature in individuals affected with RECQL4-related conditions. Experimental studies and prediction algorithms are not available or were not evaluated, and the functional significance of this variant is currently unknown. In summary, the available evidence is currently insufficient to determine the role of this variant in disease. Therefore, it has been classified as a Variant of Uncertain Significance.